The following is an entry in ClinVar:

ClinVar aggregate classification (germline): Uncertain significance (0 of 4 stars; one submission).

Conditions:
PLXNA4-related disorder. Also called: PLXNA4-related condition.

gnomAD v4.1: 3 of 1,613,798 alleles (0.00019%); highest among the groups gnomAD compares: Non-Finnish European, 0.00017%; no homozygotes.

Submission:

PreventionGenetics, part of Exact Sciences
Classification: Uncertain significance for PLXNA4-related condition. Last evaluated: 2024-06-08. Review status: no assertion criteria provided. Collection method: clinical testing. Allele origin: germline.
Comment: The PLXNA4 c.3850C>T variant is predicted to result in the amino acid substitution p.Arg1284Cys. To our knowledge, this variant has not been reported in the literature or in a large population database, indicating this variant is rare. At this time, the clinical significance of this variant is uncertain due to the absence of conclusive functional and genetic evidence.

NM_020911.2(PLXNA4):c.3850C>T (p.Arg1284Cys)

Gene: PLXNA4 (plexin A4; minus strand). Cytogenetic location: 7q32.3.
Variant type: single nucleotide variant.
Coding change: c.3850C>T on transcript NM_020911.2 (MANE Select); coding-DNA position 3850, C replaced by T.
Protein change: p.Arg1284Cys; replaces arginine 1284 with cysteine.
Molecular consequence: missense variant.
Genome position (GRCh38, 1-based): chr7:132,179,711, G>A on the plus strand (C>T on the coding strand, the complement: PLXNA4 is on the minus strand). VCF-style: chr7-132179711-G-A. GRCh37 (hg19) VCF-style: chr7-131864470-G-A.
Other names: c.3850C>T, p.Arg1284Cys (NM_001393897.1); short protein forms R1284C.
Identifiers: ClinVar variation 3355978 (VCV003355978.1).